The following is an entry in ClinVar:

NM_033400.3(ZFHX2):c.6003C>T (p.Pro2001=)

Genes: THTPA (thiamine triphosphatase; plus strand), ZFHX2 (zinc finger homeobox 2; minus strand). Cytogenetic location: 14q11.2.
Variant type: single nucleotide variant.
Coding change: c.6003C>T on transcript NM_033400.3 (MANE Select); coding-DNA position 6003, C replaced by T.
Protein change: p.Pro2001=; no amino-acid change (proline 2001 retained).
Molecular consequence: synonymous variant.
Genome position (GRCh38, 1-based): chr14:23,523,939, G>A on the plus strand (C>T on the coding strand, the complement: ZFHX2 is on the minus strand). VCF-style: chr14-23523939-G-A. GRCh37 (hg19) VCF-style: chr14-23993148-G-A.
Identifiers: ClinVar variation 2644109 (VCV002644109.24), dbSNP rs916472307, ClinGen allele CA257792697.

ClinVar aggregate classification (germline): Likely benign (1 of 4 stars; one submission).

Allele frequency attached by ClinVar (database versions not stated): gnomAD 0.00001; gnomAD exomes 0.00001; TOPMed 0.00003.
gnomAD v4.1: 13 of 1,536,004 alleles (0.00085%); highest among the groups gnomAD compares: South Asian, 0.0012%; no homozygotes.

Submission:

CeGaT Center for Human Genetics Tuebingen
Classification: Likely benign. Last evaluated: 2022-07-01. Review status: criteria provided, single submitter. Criteria: CeGaT Center For Human Genetics Tuebingen Variant Classification Criteria Version 2. Collection method: clinical testing. Allele origin: germline. Affected: yes. Observed: 1 variant allele.
Comment: ZFHX2: BP4, BP7